The following is an entry in ClinVar:

NM_020964.3(EPG5):c.12_33dup (p.Lys12fs)

Gene: EPG5 (ectopic P-granules 5 autophagy tethering factor; minus strand). Cytogenetic location: 18q21.1.
Variant type: Duplication.
Coding change: c.12_33dup on transcript NM_020964.3 (MANE Select); coding-DNA positions 12 to 33, 22 bases duplicated (GGTGAAGCCCCAGCGCCGGGCC).
Protein change: p.Lys12fs; shifts the reading frame from lysine 12.
Molecular consequence: frameshift variant.
Genome position (GRCh38, 1-based): chr18:45,967,207-45,967,228, GGCCCGGCGCTGGGGCTTCACC duplicated on the plus strand (GGTGAAGCCCCAGCGCCGGGCC on the coding strand, the reverse complement: EPG5 is on the minus strand); duplicating any 22 consecutive bases within chr18:45,967,207-45,967,229 gives the same sequence; the c. name uses the placement nearest the transcript's 3' end. VCF-style (leftmost placement, unchanged base first): chr18-45967206-T-TGGCCCGGCGCTGGGGCTTCACC. GRCh37 (hg19) VCF-style: chr18-43547172-T-TGGCCCGGCGCTGGGGCTTCACC.
Other names: c.12_33dup, p.Lys12fs (NM_001410858.1, NM_001410859.1); short protein forms K12fs.
Identifiers: ClinVar variation 4531694 (VCV004531694.1).

ClinVar aggregate classification (germline): Likely pathogenic (1 of 4 stars; one submission).

Conditions:
Vici syndrome (VICIS). Identifiers: Orphanet 1493, MedGen C1855772, MONDO:0009452, OMIM 242840.

Submission:

Victorian Clinical Genetics Services, Murdoch Childrens Research Institute
Classification: Likely pathogenic for Vici syndrome. Last evaluated: 2024-11-13. Review status: criteria provided, single submitter. Criteria: ACMG Guidelines, 2015. Collection method: clinical testing. Allele origin: germline. Affected: yes.
Comment: This variant is classified as Likely pathogenic. Evidence in support of pathogenic classification: Variant is predicted to result in a truncated protein (premature termination codon is located within the first 102 nucleotides of the coding sequence and is predicted to escape nonsense-mediated decay); Variant is present in gnomAD <0.01 for a recessive condition (v4: 2 heterozygote(s), 0 homozygote(s)); Other variants in the first 102 nucleotides of the coding sequence comparable to the one identified in this case have moderate previous evidence for pathogenicity. p.(Glu30*) has been reported in the literature as compound heterozygous in a fetus with agenesis of the corpus callosum identified on fetal ultrasound (PMID: 33255631). c.13_34dup; p.(Lys12Serfs*12) has also been reported the literature compound heterozygous in an individual with a phenotype consistent with Walker-Warburg syndrome (PMID: 28333917); Heterozygous variant detected in trans with a PATHOGENIC heterozygous variant, NM_020964.3(EPG5):c.1576C>T; p.(Arg526*), in a recessive disease. Additional information: This variant is heterozygous; This gene is associated with autosomal recessive disease; This variant has no previous evidence of pathogenicity; No published segregation evidence has been identified for this variant; No published functional evidence has been identified for this variant; Loss of function is a known mechanism of disease in this gene and is associated with Vici syndrome (MIM#242840).

Literature cited by the submitters: PubMed 28333917; PubMed 33255631.